The following is an entry in ClinVar:

ClinVar aggregate classification (germline): Likely benign (1 of 4 stars; one submission).

gnomAD v4.1: 30 of 1,579,710 alleles (0.0019%); highest among the groups gnomAD compares: East Asian, 0.0093%; no homozygotes.

Submission:

CeGaT Center for Human Genetics Tuebingen
Classification: Likely benign. Last evaluated: 2026-01-01. Review status: criteria provided, single submitter. Criteria: CeGaT Center For Human Genetics Tuebingen Variant Classification Criteria Version 2. Collection method: clinical testing. Allele origin: germline. Affected: yes. Observed: 1 variant allele.
Comment: CLIP2: BP4, BP7

NM_003388.5(CLIP2):c.348G>A (p.Pro116=)

Gene: CLIP2 (CAP-Gly domain containing linker protein 2; plus strand). Cytogenetic location: 7q11.23.
Variant type: single nucleotide variant.
Coding change: c.348G>A on transcript NM_003388.5 (MANE Select); coding-DNA position 348, G replaced by A.
Protein change: p.Pro116=; no amino-acid change (proline 116 retained).
Molecular consequence: synonymous variant.
Genome position (GRCh38, 1-based): chr7:74,338,674, G>A. VCF-style: chr7-74338674-G-A. GRCh37 (hg19) VCF-style: chr7-73753004-G-A.
Other names: c.348G>A, p.Pro116= (NM_032421.3).
Identifiers: ClinVar variation 4821575 (VCV004821575.4).
Genomic context (GRCh38, chr7:74,338,674, plus strand): 5'-GTATCTGGGAGAGACGCAGTTCGCACCGGGCCAGTGGGCTGGCGTGGTGCTGGACGACCC[G>A]GTGGGCAAGAATGATGGCGCGGTGGGCGGCGTGCGCTACTTCGAGTGCCCGGCCCTCCAG-3'
Protein context (NP_003379.4, residues 106-126): GQWAGVVLDD[Pro116=]VGKNDGAVGG